The following is an entry in ClinVar:

NM_003839.4(TNFRSF11A):c.94C>T (p.Pro32Ser)

Gene: TNFRSF11A (TNF receptor superfamily member 11a; plus strand). Cytogenetic location: 18q21.33.
Variant type: single nucleotide variant.
Coding change: c.94C>T on transcript NM_003839.4 (MANE Select); coding-DNA position 94, C replaced by T.
Protein change: p.Pro32Ser; replaces proline 32 with serine.
Molecular consequence: missense variant.
Genome position (GRCh38, 1-based): chr18:62,348,186, C>T. VCF-style: chr18-62348186-C-T. GRCh37 (hg19) VCF-style: chr18-60015419-C-T.
Other names: c.94C>T, p.Pro32Ser (NM_001270949.2, NM_001270950.2, NM_001270951.2 and 1 more transcripts); short protein forms P32S.
Identifiers: ClinVar variation 2311595 (VCV002311595.5), dbSNP rs373535227, ClinGen allele CA8983640.

ClinVar aggregate classification (germline): Uncertain significance. Review status: criteria provided, multiple submitters, no conflicts (2 of 4 stars). 2 submissions from 2 submitters: Uncertain significance (2). Last evaluated 2024-05-19.

Conditions:
Inborn genetic diseases. Identifiers: MedGen C0950123, MeSH D030342.

Allele frequency attached by ClinVar (database versions not stated): ExAC 0.00002.
gnomAD v4.1: 15 of 1,613,914 alleles (0.00093%); highest among the groups gnomAD compares: Admixed American, 0.005%; no homozygotes.

Submissions (2):

Labcorp Genetics (formerly Invitae), Labcorp
Classification: Uncertain significance. Last evaluated: 2024-05-19. Review status: criteria provided, single submitter. Criteria: Invitae Variant Classification Sherloc (09022015). Collection method: clinical testing. Allele origin: germline.
Comment: This sequence change replaces proline, which is neutral and non-polar, with serine, which is neutral and polar, at codon 32 of the TNFRSF11A protein (p.Pro32Ser). This variant is present in population databases (rs373535227, gnomAD 0.003%). This variant has not been reported in the literature in individuals affected with TNFRSF11A-related conditions. ClinVar contains an entry for this variant (Variation ID: 2311595). Advanced modeling of protein sequence and biophysical properties (such as structural, functional, and spatial information, amino acid conservation, physicochemical variation, residue mobility, and thermodynamic stability) performed at Invitae indicates that this missense variant is not expected to disrupt TNFRSF11A protein function with a negative predictive value of 80%. In summary, the available evidence is currently insufficient to determine the role of this variant in disease. Therefore, it has been classified as a Variant of Uncertain Significance.

Ambry Genetics
Classification: Uncertain significance for Inborn genetic diseases. Last evaluated: 2021-01-08. Review status: criteria provided, single submitter. Criteria: Ambry Variant Classification Scheme 2023. Collection method: clinical testing. Allele origin: germline.